The following is an entry in ClinVar:

NM_145239.3(PRRT2):c.898C>T (p.Gln300Ter)

Genes: MVP-DT (MVP divergent transcript; minus strand), PRRT2 (proline rich transmembrane protein 2; plus strand). Cytogenetic location: 16p11.2.
Variant type: single nucleotide variant.
Coding change: c.898C>T on transcript NM_145239.3 (MANE Select); coding-DNA position 898, C replaced by T.
Protein change: p.Gln300Ter; replaces glutamine 300 with a stop codon.
Molecular consequence: nonsense. On other transcripts: 3 prime UTR variant (1).
Genome position (GRCh38, 1-based): chr16:29,814,351, C>T. VCF-style: chr16-29814351-C-T. GRCh37 (hg19) VCF-style: chr16-29825672-C-T.
Other names: c.898C>T, p.Gln300Ter (NM_001256442.2); c.*397C>T (NM_001256443.2); short protein forms Q300*.
Identifiers: ClinVar variation 3571479 (VCV003571479.4).

ClinVar aggregate classification (germline): Pathogenic. Review status: criteria provided, multiple submitters, no conflicts (2 of 4 stars). 3 submissions from 3 submitters: Pathogenic (3). Last evaluated 2025-07-13.

Conditions:
Episodic kinesigenic dyskinesia (EKD). Also called: Paroxysmal kinesigenic dyskinesia. Identifiers: Orphanet 98809, MedGen C1868682, MONDO:0044202.

Submissions (3):

Labcorp Genetics (formerly Invitae), Labcorp
Classification: Pathogenic for Episodic kinesigenic dyskinesia. Last evaluated: 2025-07-13. Review status: criteria provided, single submitter. Criteria: Invitae Variant Classification Sherloc (09022015). Collection method: clinical testing. Allele origin: germline.
Comment: This sequence change creates a premature translational stop signal (p.Gln300*) in the PRRT2 gene. It is expected to result in an absent or disrupted protein product. Loss-of-function variants in PRRT2 are known to be pathogenic (PMID: 22623405, 22744660). This variant is not present in population databases (gnomAD no frequency). This variant has not been reported in the literature in individuals affected with PRRT2-related conditions. ClinVar contains an entry for this variant (Variation ID: 3571479). Algorithms developed to predict the effect of sequence changes on RNA splicing suggest that this variant may disrupt the consensus splice site. For these reasons, this variant has been classified as Pathogenic.

GeneDx
Classification: Pathogenic. Last evaluated: 2024-12-31. Review status: criteria provided, single submitter. Criteria: GeneDx Variant Classification Process June 2021. Collection method: clinical testing. Allele origin: germline. Affected: yes.
Comment: Nonsense variant predicted to result in protein truncation or nonsense mediated decay in a gene for which loss of function is a known mechanism of disease; Not observed at significant frequency in large population cohorts (gnomAD); Has not been previously published as pathogenic or benign to our knowledge

Athena Diagnostics
Classification: Pathogenic. Last evaluated: 2024-02-05. Review status: criteria provided, single submitter. Criteria: Athena Diagnostics Criteria. Collection method: clinical testing. Allele origin: unknown.
Comment: This variant is expected to result in the loss of a functional protein. This variant has been identified in at least one individual tested at Athena Diagnostics with clinical features associated with this gene. This variant has not been reported in large, multi-ethnic general populations.

Literature cited by the submitters: PubMed 22623405 (cited by Labcorp Genetics (formerly Invitae), Labcorp); PubMed 22744660 (cited by Labcorp Genetics (formerly Invitae), Labcorp).